The following is an entry in ClinVar:

ClinVar aggregate classification (germline): Uncertain significance. Review status: criteria provided, multiple submitters, no conflicts (2 of 4 stars). 2 submissions from 2 submitters: Uncertain significance (2). Last evaluated 2025-02-27.

Conditions:
Dilated cardiomyopathy 1O (CMD1O). Also called: CARDIOMYOPATHY, DILATED, WITH VENTRICULAR TACHYCARDIA. Identifiers: Orphanet 154, MedGen C1837839, MONDO:0012062, OMIM 608569.

Allele frequency attached by ClinVar (database versions not stated): gnomAD exomes below 0.00001.
gnomAD v4.1: 2 of 1,612,380 alleles (0.00012%); highest among the groups gnomAD compares: South Asian, 0.0022%; no homozygotes.

Submissions (2):

Labcorp Genetics (formerly Invitae), Labcorp
Classification: Uncertain significance for Dilated cardiomyopathy 1O. Last evaluated: 2025-02-27. Review status: criteria provided, single submitter. Criteria: Invitae Variant Classification Sherloc (09022015). Collection method: clinical testing. Allele origin: germline.
Comment: This sequence change falls in intron 26 of the ABCC9 gene. It does not directly change the encoded amino acid sequence of the ABCC9 protein. It affects a nucleotide within the consensus splice site. This variant is not present in population databases (gnomAD no frequency). This variant has not been reported in the literature in individuals affected with ABCC9-related conditions. ClinVar contains an entry for this variant (Variation ID: 179407). Variants that disrupt the consensus splice site are a relatively common cause of aberrant splicing (PMID: 17576681, 9536098). Algorithms developed to predict the effect of sequence changes on RNA splicing suggest that this variant is not likely to affect RNA splicing. In summary, the available evidence is currently insufficient to determine the role of this variant in disease. Therefore, it has been classified as a Variant of Uncertain Significance.

Laboratory for Molecular Medicine, Mass General Brigham Personalized Medicine
Classification: Uncertain significance. Last evaluated: 2014-01-02. Review status: criteria provided, single submitter. Criteria: LMM Criteria. Collection method: clinical testing. Allele origin: germline. Observed: 1 variant allele.
Comment: The 3315+4A>G variant in ABCC9 has not been previously reported in individuals w ith cardiomyopathy or in large population studies. This variant is located in th e 5' splice region. Computational tools raise the possibility that a new splice site might be created, though this information is not predictive enough to deter mine pathogenicity. Additional information is needed to fully assess the clinica l significance of this variant.

Literature cited by the submitters: PubMed 17576681 (cited by Labcorp Genetics (formerly Invitae), Labcorp); PubMed 9536098 (cited by Labcorp Genetics (formerly Invitae), Labcorp).

NM_020297.4(ABCC9):c.3315+4A>G

Gene: ABCC9 (ATP binding cassette subfamily C member 9; minus strand). Cytogenetic location: 12p12.1.
Variant type: single nucleotide variant.
Coding change: c.3315+4A>G on transcript NM_020297.4 (MANE Select); 4 bases into the intron after coding-DNA position 3315, A replaced by G.
Molecular consequence: intron variant.
Genome position (GRCh38, 1-based): chr12:21,844,479, T>C on the plus strand (A>G on the coding strand, the complement: ABCC9 is on the minus strand). VCF-style: chr12-21844479-T-C. GRCh37 (hg19) VCF-style: chr12-21997413-T-C.
Other names: c.3315+4A>G (NM_001377273.1, NM_005691.4); c.2448+4A>G (NM_001377274.1).
Identifiers: ClinVar variation 179407 (VCV000179407.5), dbSNP rs727504847, ClinGen allele CA184358.